The following is an entry in ClinVar:

ClinVar aggregate classification (germline): Uncertain significance (1 of 4 stars; one submission).

Conditions:
Immunodeficiency. Identifiers: MedGen C0021051, MONDO:0021094, HP:0002721.

Allele frequency attached by ClinVar (database versions not stated): gnomAD exomes below 0.00001.

Submission:

Labcorp Genetics (formerly Invitae), Labcorp
Classification: Uncertain significance for Immunodeficiency. Last evaluated: 2024-01-12. Review status: criteria provided, single submitter. Criteria: Invitae Variant Classification Sherloc (09022015). Collection method: clinical testing. Allele origin: germline.
Comment: This sequence change replaces threonine, which is neutral and polar, with isoleucine, which is neutral and non-polar, at codon 64 of the NFAT5 protein (p.Thr64Ile). This variant is not present in population databases (gnomAD no frequency). This variant has not been reported in the literature in individuals affected with NFAT5-related conditions. An algorithm developed to predict the effect of missense changes on protein structure and function (PolyPhen-2) suggests that this variant is likely to be disruptive. In summary, the available evidence is currently insufficient to determine the role of this variant in disease. Therefore, it has been classified as a Variant of Uncertain Significance.

NM_138713.4(NFAT5):c.473C>T (p.Thr158Ile)

Gene: NFAT5 (nuclear factor of activated T cells 5; plus strand). Cytogenetic location: 16q22.1.
Variant type: single nucleotide variant.
Coding change: c.473C>T on transcript NM_138713.4 (MANE Select); coding-DNA position 473, C replaced by T.
Protein change: p.Thr158Ile; replaces threonine 158 with isoleucine.
Molecular consequence: missense variant. On other transcripts: intron variant (1).
Genome position (GRCh38, 1-based): chr16:69,647,247, C>T. VCF-style: chr16-69647247-C-T. GRCh37 (hg19) VCF-style: chr16-69681150-C-T.
Other names: c.419C>T, p.Thr140Ile (NM_006599.4); c.191C>T, p.Thr64Ile (NM_138714.4, NM_173214.3, NM_173215.3); c.140+80C>T (NM_001367709.1); c.473C>T, p.Thr158Ile (NM_001113178.3); short protein forms T140I, T158I, T64I.
Identifiers: ClinVar variation 2709065 (VCV002709065.3), dbSNP rs2543922135, ClinGen allele CA396484377.